The following is an entry in ClinVar:

ClinVar aggregate classification (germline): Uncertain significance (1 of 4 stars; one submission).

Conditions:
Familial cold autoinflammatory syndrome 3 (FCAS3). Also called: FAMILIAL ATYPICAL COLD URTICARIA; ANTIBODY DEFICIENCY AND IMMUNE DYSREGULATION, PLCG2-ASSOCIATED. Identifiers: Orphanet 300359, MedGen C3280914, MONDO:0013766, OMIM 614468.

Allele frequency attached by ClinVar (database versions not stated): ExAC 0.00001.
gnomAD v4.1: 1 of 1,602,528 alleles (0.000062%); highest among the groups gnomAD compares: Admixed American, 0.0017%; no homozygotes.

Submission:

Labcorp Genetics (formerly Invitae), Labcorp
Classification: Uncertain significance for Familial cold autoinflammatory syndrome 3. Last evaluated: 2022-05-21. Review status: criteria provided, single submitter. Criteria: Invitae Variant Classification Sherloc (09022015). Collection method: clinical testing. Allele origin: germline.
Comment: In summary, the available evidence is currently insufficient to determine the role of this variant in disease. Therefore, it has been classified as a Variant of Uncertain Significance. Algorithms developed to predict the effect of missense changes on protein structure and function are either unavailable or do not agree on the potential impact of this missense change (SIFT: "Tolerated"; PolyPhen-2: "Possibly Damaging"; Align-GVGD: "Class C0"). This variant has not been reported in the literature in individuals affected with PLCG2-related conditions. This variant is present in population databases (rs778175100, gnomAD 0.003%). This sequence change replaces tyrosine, which is neutral and polar, with serine, which is neutral and polar, at codon 858 of the PLCG2 protein (p.Tyr858Ser).

NM_002661.5(PLCG2):c.2573A>C (p.Tyr858Ser)

Gene: PLCG2 (phospholipase C gamma 2; plus strand). Cytogenetic location: 16q23.3.
Variant type: single nucleotide variant.
Coding change: c.2573A>C on transcript NM_002661.5 (MANE Select); coding-DNA position 2573, A replaced by C.
Protein change: p.Tyr858Ser; replaces tyrosine 858 with serine.
Molecular consequence: missense variant.
Genome position (GRCh38, 1-based): chr16:81,928,616, A>C. VCF-style: chr16-81928616-A-C. GRCh37 (hg19) VCF-style: chr16-81962221-A-C.
Other names: short protein forms Y858S.
Identifiers: ClinVar variation 1997570 (VCV001997570.4), dbSNP rs778175100, ClinGen allele CA8194344.